The following is an entry in ClinVar:

NM_001040108.2(MLH3):c.2484_2485insT (p.Lys829Ter)

Gene: MLH3 (mutL homolog 3; minus strand). Cytogenetic location: 14q24.3.
Variant type: Insertion.
Coding change: c.2484_2485insT on transcript NM_001040108.2 (MANE Select); coding-DNA positions 2484 to 2485, T inserted.
Protein change: p.Lys829Ter; replaces lysine 829 with a stop codon.
Molecular consequence: nonsense.
Genome position: GRCh38 VCF-style: chr14-75047171-T-TA. GRCh37 (hg19) VCF-style: chr14-75513874-T-TA.
Other names: c.2484_2485insT, p.Lys829Ter (NM_014381.3); short protein forms K829*.
Identifiers: ClinVar variation 4856758 (VCV004856758.1).
Genomic context (GRCh38, chr14:75,047,171, plus strand): 5'-TTTCTCTCAAACTAGGCATCTGTTGTTCTAAACAATCTTCATCCTTGGAGAATGGAAACT[T>TA]CTCTGAGTTAAGGATGTGGCTTGCTGGTTGACAACTACTATCTGAATCACTATGCTCCAT-3'

ClinVar aggregate classification (germline): Pathogenic (1 of 4 stars; one submission).

Conditions:
Colorectal cancer, hereditary nonpolyposis, type 7. Identifiers: Orphanet 144, MedGen C1858380, MONDO:0013725, OMIM 614385.

Submission:

Myriad Genetics, Inc.
Classification: Pathogenic for Colorectal cancer, hereditary nonpolyposis, type 7. Last evaluated: 2026-03-11. Review status: criteria provided, single submitter. Criteria: Myriad Autosomal Dominant, Autosomal Recessive and X-Linked Classification Criteria (2023). Collection method: clinical testing. Allele origin: unknown.
Comment: This variant is considered pathogenic. This variant creates a termination codon and is predicted to result in premature protein truncation.